The following is an entry in ClinVar:

NM_000466.3(PEX1):c.3107del (p.Ala1036fs)

Genes: GATAD1 (GATA zinc finger domain containing 1; plus strand), PEX1 (peroxisomal biogenesis factor 1; minus strand). Cytogenetic location: 7q21.2.
Variant type: Deletion.
Coding change: c.3107del on transcript NM_000466.3 (MANE Select); coding-DNA position 3107, one base deleted (C; older notation c.3107delC).
Protein change: p.Ala1036fs; shifts the reading frame from alanine 1036.
Molecular consequence: frameshift variant.
Genome position (GRCh38, 1-based): chr7:92,493,053, G deleted on the plus strand (C on the coding strand, the reverse complement: PEX1 is on the minus strand). VCF-style (leftmost placement, unchanged base first): chr7-92493052-TG-T. GRCh37 (hg19) VCF-style: chr7-92122366-TG-T.
Other names: c.2936del, p.Ala979fs (NM_001282677.2); c.2483del, p.Ala828fs (NM_001282678.2); short protein forms A1036fs, A828fs, A979fs.
Identifiers: ClinVar variation 5012545 (VCV005012545.1).

ClinVar aggregate classification (germline): Pathogenic (1 of 4 stars; one submission).

Conditions:
Peroxisome biogenesis disorder. Identifiers: Orphanet 79189, MedGen C1832200, MONDO:0019234. Disease mechanism: loss of function.

Submission:

Myriad Genetics, Inc.
Classification: Pathogenic for Peroxisome biogenesis disorder. Last evaluated: 2023-12-06. Review status: criteria provided, single submitter. Criteria: Myriad Autosomal Dominant, Autosomal Recessive and X-Linked Classification Criteria (2023). Collection method: clinical testing. Allele origin: unknown.
Comment: NM_000466.2(PEX1):c.3107delC(A1036Dfs*3) is expected to be pathogenic in the context of peroxisome biogenesis disorder type 1. This variant is predicted to lead to an abnormal or absent protein product due to the creation of a premature termination codon in PEX1, a gene where loss-of-function variants are known to be pathogenic. Please note: this variant was assessed in the context of healthy population screening.